The following is an entry in ClinVar:

ClinVar aggregate classification (germline): Uncertain significance (1 of 4 stars; one submission).

Conditions:
TCF20-related disorder. Also called: TCF20-related condition.

gnomAD v4.1: 1 of 1,614,068 alleles (0.000062%); highest among the groups gnomAD compares: South Asian, 0.0011%; no homozygotes.

Submission:

PreventionGenetics, part of Exact Sciences
Classification: Uncertain significance for TCF20-related condition. Last evaluated: 2025-01-07. Review status: criteria provided, single submitter. Criteria: ACMG Guidelines, 2015. Collection method: clinical testing. Allele origin: germline.
Comment: The TCF20 c.4685A>G variant is predicted to result in the amino acid substitution p.Gln1562Arg. To our knowledge, this variant has not been reported in the literature or in a large population database (gnomAD), indicating this variant is rare. At this time, the clinical significance of this variant is uncertain due to the absence of conclusive functional and genetic evidence.

NM_001378418.1(TCF20):c.4685A>G (p.Gln1562Arg)

Gene: TCF20 (transcription factor 20; minus strand). Cytogenetic location: 22q13.2.
Variant type: single nucleotide variant.
Coding change: c.4685A>G on transcript NM_001378418.1 (MANE Select); coding-DNA position 4685, A replaced by G.
Protein change: p.Gln1562Arg; replaces glutamine 1562 with arginine.
Molecular consequence: missense variant.
Genome position (GRCh38, 1-based): chr22:42,210,621, T>C on the plus strand (A>G on the coding strand, the complement: TCF20 is on the minus strand). VCF-style: chr22-42210621-T-C. GRCh37 (hg19) VCF-style: chr22-42606627-T-C.
Other names: c.4685A>G, p.Gln1562Arg (NM_005650.4, NM_181492.3); short protein forms Q1562R.
Identifiers: ClinVar variation 4982051 (VCV004982051.1).